The following is an entry in ClinVar:

NM_015046.7(SETX):c.7163C>T (p.Thr2388Met)

Gene: SETX (senataxin; minus strand). Cytogenetic location: 9q34.13.
Variant type: single nucleotide variant.
Coding change: c.7163C>T on transcript NM_015046.7 (MANE Select); coding-DNA position 7163, C replaced by T.
Protein change: p.Thr2388Met; replaces threonine 2388 with methionine.
Molecular consequence: missense variant.
Genome position (GRCh38, 1-based): chr9:132,271,746, G>A on the plus strand (C>T on the coding strand, the complement: SETX is on the minus strand). VCF-style: chr9-132271746-G-A. GRCh37 (hg19) VCF-style: chr9-135147133-G-A.
Other names: c.7163C>T, p.Thr2388Met (NM_001351527.2, NM_001351528.2); short protein forms T2388M.
Identifiers: ClinVar variation 448344 (VCV000448344.3), dbSNP rs765418950, ClinGen allele CA5296491.

ClinVar aggregate classification (germline): Uncertain significance. Review status: criteria provided, multiple submitters, no conflicts (2 of 4 stars). 3 submissions from 3 submitters: Uncertain significance (3). Last evaluated 2024-04-09.

Allele frequency attached by ClinVar (database versions not stated): ExAC 0.00001; gnomAD 0.00001 and 0.00002; TOPMed 0.00002.
gnomAD v4.1: 7 of 1,613,910 alleles (0.00043%); highest among the groups gnomAD compares: African/African-American, 0.004%; no homozygotes.

Submissions (3):

Mayo Clinic Laboratories, Mayo Clinic
Classification: Uncertain significance. Last evaluated: 2024-04-09. Review status: criteria provided, single submitter. Criteria: ACMG Guidelines, 2015. Collection method: clinical testing. Allele origin: germline. Observed: 1 variant allele.
Comment: PM2_moderate

Blueprint Genetics
Classification: Uncertain significance. Last evaluated: 2017-07-10. Review status: criteria provided, single submitter. Criteria: ACMG Guidelines, 2015. Collection method: clinical testing. Allele origin: germline.

Athena Diagnostics
Classification: Uncertain significance. Last evaluated: 2016-10-06. Review status: criteria provided, single submitter. Criteria: Athena Diagnostics Criteria. Collection method: clinical testing. Allele origin: germline.

Literature cited by the submitters: PubMed 36530930 (cited by Mayo Clinic Laboratories, Mayo Clinic).